The following is an entry in ClinVar:

ClinVar aggregate classification (germline): Uncertain significance (1 of 4 stars; one submission).

Conditions:
Cardiovascular phenotype. Identifiers: MedGen CN230736.

Submission:

Ambry Genetics
Classification: Uncertain significance for Cardiovascular phenotype. Last evaluated: 2024-08-12. Review status: criteria provided, single submitter. Criteria: Ambry Variant Classification Scheme 2023. Collection method: clinical testing. Allele origin: germline.
Comment: The p.F1250C variant (also known as c.3749T>G), located in coding exon 27 of the LAMA4 gene, results from a T to G substitution at nucleotide position 3749. The phenylalanine at codon 1250 is replaced by cysteine, an amino acid with highly dissimilar properties. This amino acid position is conserved. In addition, this alteration is predicted to be deleterious by in silico analysis. Based on the available evidence, the clinical significance of this variant remains unclear.

NM_001105206.3(LAMA4):c.3770T>G (p.Phe1257Cys)

Gene: LAMA4 (laminin subunit alpha 4; minus strand). Cytogenetic location: 6q21.
Variant type: single nucleotide variant.
Coding change: c.3770T>G on transcript NM_001105206.3 (MANE Select); coding-DNA position 3770, T replaced by G.
Protein change: p.Phe1257Cys; replaces phenylalanine 1257 with cysteine.
Molecular consequence: missense variant.
Genome position (GRCh38, 1-based): chr6:112,132,817, A>C on the plus strand (T>G on the coding strand, the complement: LAMA4 is on the minus strand). VCF-style: chr6-112132817-A-C. GRCh37 (hg19) VCF-style: chr6-112454019-A-C.
Other names: c.3749T>G, p.Phe1250Cys (NM_001105207.3, NM_002290.5); short protein forms F1257C, F1250C.
Identifiers: ClinVar variation 3536940 (VCV003536940.1).